The following is an entry in ClinVar:

ClinVar aggregate classification (germline): Conflicting classifications of pathogenicity. Review status: criteria provided, conflicting classifications (1 of 4 stars). 3 submissions from 3 submitters: Uncertain significance (1); Likely benign (2). Last evaluated 2025-12-09.

Conditions:
Cardiovascular phenotype. Identifiers: MedGen CN230736.
Dilated cardiomyopathy 1G (CMD1G). Identifiers: Orphanet 154, MedGen C1858763, MONDO:0011400, OMIM 604145.
Autosomal recessive limb-girdle muscular dystrophy type 2J (LGMDR10). Also called: Limb-girdle muscular dystrophy, type 2J; MUSCULAR DYSTROPHY, LIMB-GIRDLE, AUTOSOMAL RECESSIVE 10. Identifiers: Orphanet 140922, MedGen C1837342, MONDO:0012127, OMIM 608807.

Allele frequency attached by ClinVar (database versions not stated): gnomAD below 0.00001 and 0.00003; TOPMed below 0.00001; ExAC 0.00011; gnomAD exomes 0.00011; 1000 Genomes Project 30x 0.00016; 1000 Genomes Project 0.00020.
gnomAD v4.1: 84 of 1,614,116 alleles (0.0052%); highest among the groups gnomAD compares: South Asian, 0.085%; no homozygotes.

Submissions (3):

Labcorp Genetics (formerly Invitae), Labcorp
Classification: Likely benign for Dilated cardiomyopathy 1G; Autosomal recessive limb-girdle muscular dystrophy type 2J. Last evaluated: 2025-12-09. Review status: criteria provided, single submitter. Criteria: Invitae Variant Classification Sherloc (09022015). Collection method: clinical testing. Allele origin: germline.

GeneDx
Classification: Uncertain significance. Last evaluated: 2024-09-03. Review status: criteria provided, single submitter. Criteria: GeneDx Variant Classification Process June 2021. Collection method: clinical testing. Allele origin: germline. Affected: yes.
Comment: Has not been previously published as pathogenic or benign to our knowledge; In silico analysis suggests this variant may impact gene splicing. In the absence of RNA/functional studies, the actual effect of this sequence change is unknown.

Ambry Genetics
Classification: Likely benign for Cardiovascular phenotype. Last evaluated: 2020-10-12. Review status: criteria provided, single submitter. Criteria: Ambry Variant Classification Scheme 2023. Collection method: clinical testing. Allele origin: germline.

NM_001267550.2(TTN):c.8562G>A (p.Gln2854=)

Gene: TTN (titin; minus strand). Cytogenetic location: 2q31.2.
Variant type: single nucleotide variant.
Coding change: c.8562G>A on transcript NM_001267550.2 (MANE Select); coding-DNA position 8562, G replaced by A.
Protein change: p.Gln2854=; no amino-acid change (glutamine 2854 retained).
Molecular consequence: synonymous variant.
Genome position (GRCh38, 1-based): chr2:178,770,139, C>T on the plus strand (G>A on the coding strand, the complement: TTN is on the minus strand). VCF-style: chr2-178770139-C-T. GRCh37 (hg19) VCF-style: chr2-179634866-C-T.
Other names: c.8562G>A, p.Gln2854= (NM_001256850.1, NM_133378.4, NM_133379.5); c.8424G>A, p.Gln2808= (NM_003319.4, NM_133432.3, NM_133437.4); c.8562G>A (NM_001267550.1).
Identifiers: ClinVar variation 509893 (VCV000509893.16), dbSNP rs375056408, ClinGen allele CA2004580.